The following is an entry in ClinVar:

ClinVar aggregate classification (germline): Benign. Review status: criteria provided, multiple submitters, no conflicts (2 of 4 stars). 5 submissions from 5 submitters: Benign (5). Last evaluated 2026-02-04.

Conditions:
Microcephalic osteodysplastic primordial dwarfism type II (MOPD2). Also called: Microcephalic osteodysplastic primordial dwarfism with tooth abnormalities; OSTEODYSPLASTIC PRIMORDIAL DWARFISM, TYPE II; MOPD II. Identifiers: Orphanet 2637, MedGen C0432246, MONDO:0008872, OMIM 210720.

Allele frequency attached by ClinVar (database versions not stated): ExAC 0.11822; gnomAD 0.17759 and 0.18603; 1000 Genomes Project 0.17772; 1000 Genomes Project 30x 0.18504; TOPMed 0.18605; ESP Exome Variant Server 0.19518.
gnomAD v4.1: 145,449 of 1,607,914 alleles (9%); highest among the groups gnomAD compares: African/African-American, 44%; 11,990 homozygotes.

Submissions (5):

Labcorp Genetics (formerly Invitae), Labcorp
Classification: Benign. Last evaluated: 2026-02-04. Review status: criteria provided, single submitter. Criteria: Invitae Variant Classification Sherloc (09022015). Collection method: clinical testing. Allele origin: germline.

Illumina Laboratory Services, Illumina
Classification: Benign for Microcephalic osteodysplastic primordial dwarfism type II. Last evaluated: 2018-01-13. Review status: criteria provided, single submitter. Criteria: ICSL Variant Classification Criteria 13 December 2019. Collection method: clinical testing. Allele origin: germline.
Comment: This variant was observed in the ICSL laboratory as part of a predisposition screen in an ostensibly healthy population. It had not been previously curated by ICSL or reported in the Human Gene Mutation Database (HGMD: prior to June 1st, 2018), and was therefore a candidate for classification through an automated scoring system. Utilizing variant allele frequency, disease prevalence and penetrance estimates, and inheritance mode, an automated score was calculated to assess if this variant is too frequent to cause the disease. Based on the score and internal cut-off values, a variant classified as benign is not then subjected to further curation. The score for this variant resulted in a classification of benign for this disease.

GeneDx
Classification: Benign. Last evaluated: 2014-02-26. Review status: criteria provided, single submitter. Criteria: GeneDx Variant Classification (06012015). Collection method: clinical testing. Allele origin: germline. Affected: yes.
Comment: This variant is considered likely benign or benign based on one or more of the following criteria: it is a conservative change, it occurs at a poorly conserved position in the protein, it is predicted to be benign by multiple in silico algorithms, and/or has population frequency not consistent with disease.

Genetic Services Laboratory, University of Chicago
Classification: Benign. Last evaluated: 2013-02-08. Review status: criteria provided, single submitter. Criteria: ACMG Guidelines, 2007. Collection method: clinical testing. Allele origin: germline. Inheritance: Autosomal recessive inheritance.

Breakthrough Genomics
Classification: Benign. Review status: criteria provided, single submitter. Criteria: ACMG Guidelines, 2015. Collection method: not provided. Allele origin: germline. Inheritance: Autosomal recessive inheritance. Affected: yes.

NM_006031.6(PCNT):c.7645G>A (p.Ala2549Thr)

Gene: PCNT (pericentrin; plus strand). Cytogenetic location: 21q22.3.
Variant type: single nucleotide variant.
Coding change: c.7645G>A on transcript NM_006031.6 (MANE Select); coding-DNA position 7645, G replaced by A.
Protein change: p.Ala2549Thr; replaces alanine 2549 with threonine.
Molecular consequence: missense variant.
Genome position (GRCh38, 1-based): chr21:46,428,545, G>A. VCF-style: chr21-46428545-G-A. GRCh37 (hg19) VCF-style: chr21-47848459-G-A.
Other names: p.A2549T:GCA>ACA; c.7291G>A, p.Ala2431Thr (NM_001315529.2); short protein forms A2549T, A2431T.
Identifiers: ClinVar variation 138604 (VCV000138604.17), dbSNP rs2839256, ClinGen allele CA173096.
Genomic context (GRCh38, chr21:46,428,545, plus strand): 5'-CGCATGACGCACCTGCAGAACCAGGAGAAGCTGCAGCACTTGCGCACGGCGCTGACAAGC[G>A]CAGAGGCGCGCGGGAGCCAGCAGGAGCACCAGCTGCGCAGGCAGGGTGGGTGTCACTGTC-3'
Protein context (NP_006022.3, residues 2539-2559): LQHLRTALTS[Ala2549Thr]EARGSQQEHQ